The following is an entry in ClinVar:

NM_000350.3(ABCA4):c.5554C>T (p.Gln1852Ter)

Gene: ABCA4 (ATP binding cassette subfamily A member 4; minus strand). Cytogenetic location: 1p22.1.
Variant type: single nucleotide variant.
Coding change: c.5554C>T on transcript NM_000350.3 (MANE Select); coding-DNA position 5554, C replaced by T.
Protein change: p.Gln1852Ter; replaces glutamine 1852 with a stop codon.
Molecular consequence: nonsense.
Genome position (GRCh38, 1-based): chr1:94,011,292, G>A on the plus strand (C>T on the coding strand, the complement: ABCA4 is on the minus strand). VCF-style: chr1-94011292-G-A. GRCh37 (hg19) VCF-style: chr1-94476848-G-A.
Other names: NM_000350.3(ABCA4):c.5554C>T; p.Gln1852Ter; c.5332C>T, p.Gln1778Ter (NM_001425324.1); short protein forms Q1852*, Q1778*.
Identifiers: ClinVar variation 1454986 (VCV001454986.8), dbSNP rs531109296, ClinGen allele CA341281026.
Genomic context (GRCh38, chr1:94,011,292, plus strand): 5'-CATGCTCCATGGGCCTCGGCTACCACCCACCAAACCGGGCATAGACATCTGTCACAGCCT[G>A]GCTCAGTGCAAGGTCAATGAGGCCCCGGCCCAGGCAGAAGTGGGGGAAGACAATGAGCAG-3'

ClinVar aggregate classification (germline): Pathogenic. Review status: reviewed by expert panel (3 of 4 stars). 2 submissions from 2 submitters: Pathogenic (1). 1 of the submissions does not count toward it. Last evaluated 2025-12-05.

Conditions:
ABCA4-related retinopathy. Also called: ABCA4 retinoapthy; ABCA4-related retinoapthy. Identifiers: MedGen CN322612, MONDO:0800406.

Submissions (2):

ClinGen ABCA4 Variant Curation Expert Panel, Clingen
Classification: Pathogenic for ABCA4-related retinopathy. Last evaluated: 2025-12-05. Review status: reviewed by expert panel. Criteria: ClinGen ABCA4 ACMG Specifications V1.0.0. Collection method: curation. Allele origin: germline. Inheritance: Autosomal recessive inheritance.
Comment: The NM_000350.3:c.5554C>T (p.Gln1852Ter) variant in ABCA4 is a nonsense variant located in exon 39 out of 50 and introduces a premature stop codon between codons 1-2255 (PVS1). This variant is absent from gnomAD v4.1.0 (PM2_Supporting). This variant has been detected in at least 1 individual with ABCA4-related retinopathy who was compound heterozygous for the variant and a likely pathogenic variant confirmed in trans by family testing (ABCA4 c.3113C>T; p.Ala1038Val) (PM3_Supporting; PMID: 28559085). The variant has been reported to segregate with ABCA4-related retinopathy in the proband and 1 similarly affected relative (PP1; PMID: 28559085). In summary, this variant meets the criteria to be classified as pathogenic for autosomal recessive ABCA4-related retinopathy based on the ACMG/AMP criteria applied, as specified by the ClinGen ABCA4 VCEP (Specification Version 1.0): PVS1, PM2_Supporting, PM3_Supporting, PP1.

Labcorp Genetics (formerly Invitae), Labcorp
Classification: Pathogenic. Last evaluated: 2024-11-11. Review status: criteria provided, single submitter. Criteria: Invitae Variant Classification Sherloc (09022015). Collection method: clinical testing. Allele origin: germline. Not counted in ClinVar's aggregate classification.
Comment: This sequence change creates a premature translational stop signal (p.Gln1852*) in the ABCA4 gene. It is expected to result in an absent or disrupted protein product. Loss-of-function variants in ABCA4 are known to be pathogenic (PMID: 10958761, 24938718, 25312043, 26780318). This variant is not present in population databases (gnomAD no frequency). This premature translational stop signal has been observed in individual(s) with clinical features of Stargardt disease (PMID: 28559085). ClinVar contains an entry for this variant (Variation ID: 1454986). Algorithms developed to predict the effect of sequence changes on RNA splicing suggest that this variant may disrupt the consensus splice site. For these reasons, this variant has been classified as Pathogenic.

Literature cited by the submitters: PubMed 10958761 (cited by Labcorp Genetics (formerly Invitae), Labcorp); PubMed 24938718 (cited by Labcorp Genetics (formerly Invitae), Labcorp); PubMed 25312043 (cited by Labcorp Genetics (formerly Invitae), Labcorp); PubMed 26780318 (cited by Labcorp Genetics (formerly Invitae), Labcorp); PubMed 28559085 (cited by Labcorp Genetics (formerly Invitae), Labcorp).